The following is an entry in ClinVar:

ClinVar aggregate classification (germline): Uncertain significance. Review status: criteria provided, multiple submitters, no conflicts (2 of 4 stars). 2 submissions from 2 submitters: Uncertain significance (2). Last evaluated 2024-09-09.

Conditions:
Asphyxiating thoracic dystrophy 3. Also called: POLYDACTYLY WITH NEONATAL CHONDRODYSTROPHY, TYPE I; SHORT-RIB THORACIC DYSPLASIA 3/6 WITH POLYDACTYLY, DIGENIC; Short rib polydactyly syndrome 2B; Saldino-Noonan Syndrome; SHORT-RIB THORACIC DYSPLASIA 3 WITH OR WITHOUT POLYDACTYLY. Identifiers: Orphanet 474, Orphanet 93269, Orphanet 93270, Orphanet 93271, MedGen C0036069, MONDO:0013127, OMIM 613091.

Submissions (2):

ARUP Laboratories, Molecular Genetics and Genomics, ARUP Laboratories
Classification: Uncertain significance for Asphyxiating thoracic dystrophy 3. Last evaluated: 2024-09-09. Review status: criteria provided, single submitter. Criteria: ARUP Molecular Germline Variant Investigation Process 2024. Collection method: clinical testing. Allele origin: germline.
Comment: The DYNC2H1 c.1457T>A; p.Ile486Lys variant (rs1858706631), to our knowledge, is not reported in the medical literature or gene specific databases. This variant is also absent from the Genome Aggregation Database (v2.1.1), indicating it is not a common polymorphism. Computational analyses predict that this variant is deleterious (REVEL: 0.807). Due to limited information, the clinical significance of this variant is uncertain at this time.

Women's Health and Genetics/Laboratory Corporation of America, LabCorp
Classification: Uncertain significance. Last evaluated: 2024-05-01. Review status: criteria provided, single submitter. Criteria: LabCorp Variant Classification Summary - May 2015. Collection method: clinical testing. Allele origin: germline.
Comment: Variant summary: DYNC2H1 c.1457T>A (p.Ile486Lys) results in a non-conservative amino acid change located in the Dynein heavy chain, tail domain (IPR013594) of the encoded protein sequence. Five of five in-silico tools predict a damaging effect of the variant on protein function. The variant was absent in 248930 control chromosomes. The available data on variant occurrences in the general population are insufficient to allow any conclusion about variant significance. To our knowledge, no occurrence of c.1457T>A in individuals affected with Short-rib thoracic dysplasia and no experimental evidence demonstrating its impact on protein function have been reported. No submitters have cited clinical-significance assessments for this variant to ClinVar. Based on the evidence outlined above, the variant was classified as uncertain significance.

NM_001377.3(DYNC2H1):c.1457T>A (p.Ile486Lys)

Gene: DYNC2H1 (dynein cytoplasmic 2 heavy chain 1; plus strand). Cytogenetic location: 11q22.3.
Variant type: single nucleotide variant.
Coding change: c.1457T>A on transcript NM_001377.3 (MANE Select); coding-DNA position 1457, T replaced by A.
Protein change: p.Ile486Lys; replaces isoleucine 486 with lysine.
Molecular consequence: missense variant.
Genome position (GRCh38, 1-based): chr11:103,121,468, T>A. VCF-style: chr11-103121468-T-A. GRCh37 (hg19) VCF-style: chr11-102992197-T-A.
Other names: c.1457T>A, p.Ile486Lys (NM_001080463.2); short protein forms I486K.
Identifiers: ClinVar variation 3336266 (VCV003336266.2).